The following is an entry in ClinVar:

NM_001039141.3(TRIOBP):c.4223G>A (p.Arg1408Gln)

Gene: TRIOBP (TRIO and F-actin binding protein; plus strand). Cytogenetic location: 22q13.1.
Variant type: single nucleotide variant.
Coding change: c.4223G>A on transcript NM_001039141.3 (MANE Select); coding-DNA position 4223, G replaced by A.
Protein change: p.Arg1408Gln; replaces arginine 1408 with glutamine.
Molecular consequence: missense variant.
Genome position (GRCh38, 1-based): chr22:37,734,559, G>A. VCF-style: chr22-37734559-G-A. GRCh37 (hg19) VCF-style: chr22-38130566-G-A.
Other names: short protein forms R1408Q.
Identifiers: ClinVar variation 4985184 (VCV004985184.1).
Genomic context (GRCh38, chr22:37,734,559, plus strand): 5'-AGCTCCAGGGGTCCCCGCTGCCCCCCAGGACATCAGCCAGGACCCCTGAGAGGGAGCTGC[G>A]GACACAGAGACCTCTGGAGAGTGGCCAAGCAGGCCCAAGACAGCCTCTGGGGGTGTGGCA-3'
Protein context (NP_001034230.1, residues 1398-1418): TSARTPEREL[Arg1408Gln]TQRPLESGQA

ClinVar aggregate classification (germline): Uncertain significance (1 of 4 stars; one submission).

Conditions:
TRIOBP-related disorder. Also called: TRIOBP-related condition.

gnomAD v4.1: 24 of 1,589,340 alleles (0.0015%); highest among the groups gnomAD compares: African/African-American, 0.023%; no homozygotes.

Submission:

PreventionGenetics, part of Exact Sciences
Classification: Uncertain significance for TRIOBP-related condition. Last evaluated: 2025-12-26. Review status: criteria provided, single submitter. Criteria: ACMG Guidelines, 2015. Collection method: clinical testing. Allele origin: germline.
Comment: The TRIOBP c.4223G>A variant is predicted to result in the amino acid substitution p.Arg1408Gln. To our knowledge, this variant has not been reported in the literature. This variant is reported in 0.034% of alleles in individuals of African descent in gnomAD. At this time, the clinical significance of this variant is uncertain due to the absence of conclusive functional and genetic evidence.